The following is an entry in ClinVar:

ClinVar aggregate classification (germline): Likely pathogenic (1 of 4 stars; one submission).

Conditions:
Neurofibromatosis, type 2 (SWNV). Also called: BILATERAL ACOUSTIC NEUROFIBROMATOSIS; NF2-Related Schwannomatosis; SCHWANNOMATOSIS, VESTIBULAR. Identifiers: Orphanet 637, MedGen C0027832, MONDO:0007039, OMIM 101000. Disease mechanism: loss of function.

Submission:

Institute for Genomic Medicine (IGM) Clinical Laboratory, Nationwide Children's Hospital
Classification: Likely pathogenic for Neurofibromatosis, type 2. Last evaluated: 2025-05-28. Review status: criteria provided, single submitter. Criteria: ACMG Guidelines, 2015. Collection method: clinical testing. Allele origin: germline.
Comment: This variant is predicted to result in loss of function through nonsense-mediated decay of the encoded transcript or premature truncation of the encoded protein in a gene in which loss of function is a known mechanism of disease (ACMG/AMP: PVS1; PMIDs:9643284, 16983642). This variant is absent from or present at an exceedingly low frequency in gnomAD, a large-scale control population database (ACMG/AMP: PM2).

Literature cited by the submitters: PubMed 9643284; PubMed 16983642.

NM_000268.4(NF2):c.1333G>T (p.Glu445Ter)

Gene: NF2 (NF2, moesin-ezrin-radixin like (MERLIN) tumor suppressor; plus strand). Cytogenetic location: 22q12.2.
Variant type: single nucleotide variant.
Coding change: c.1333G>T on transcript NM_000268.4 (MANE Select); coding-DNA position 1333, G replaced by T.
Protein change: p.Glu445Ter; replaces glutamic acid 445 with a stop codon.
Molecular consequence: nonsense. On other transcripts: intron variant (1).
Genome position (GRCh38, 1-based): chr22:29,673,479, G>T. VCF-style: chr22-29673479-G-T. GRCh37 (hg19) VCF-style: chr22-30069468-G-T.
Other names: c.1219G>T, p.Glu407Ter (NM_001407053.1, NM_001407056.1); c.1210G>T, p.Glu404Ter (NM_001407054.1, NM_001407058.1, NM_181829.3); c.1207G>T, p.Glu403Ter (NM_001407055.1, NM_181828.3); c.1198G>T, p.Glu400Ter (NM_001407057.1, NM_001407059.1); c.1333G>T, p.Glu445Ter (NM_001407060.1, NM_001407066.1, NM_016418.5 and 2 more transcripts); c.1075G>T, p.Glu359Ter (NM_001407062.1); c.1084G>T, p.Glu362Ter (NM_001407063.1, NM_001407064.1, NM_181830.3 and 1 more transcripts); c.799G>T, p.Glu267Ter (NM_001407065.1); and 2 more; short protein forms E267*, E359*, E362*, E368*, E400*, E403*, E404*, E407*.
Identifiers: ClinVar variation 4759304 (VCV004759304.1).